The following is an entry in ClinVar:

ClinVar aggregate classification (germline): Pathogenic (1 of 4 stars; one submission).

Conditions:
Intellectual developmental disorder, X-linked 1. Also called: Atkin Flaitz Patil Smith syndrome; MENTAL RETARDATION, X-LINKED 18; MENTAL RETARDATION, X-LINKED 78; Intellectual disability, X-linked 1. Identifiers: Orphanet 777, MedGen C2931498, MONDO:0010656, OMIM 309530.

Submission:

Institute of Human Genetics, University of Leipzig Medical Center
Classification: Pathogenic for Intellectual developmental disorder, X-linked 1. Last evaluated: 2026-07-17. Review status: criteria provided, single submitter. Criteria: ACMG Guidelines, 2015. Collection method: clinical testing. Allele origin: unknown. Inheritance: X-linked dominant inheritance. Affected: yes.
Comment: Criteria applied: PVS1,PM2

NM_001111125.3(IQSEC2):c.3182T>C (p.Phe1061Ser)

Gene: IQSEC2 (IQ motif and Sec7 domain ArfGEF 2; minus strand). Cytogenetic location: Xp11.22.
Variant type: single nucleotide variant.
Coding change: c.3182T>C on transcript NM_001111125.3 (MANE Select); coding-DNA position 3182, T replaced by C.
Protein change: p.Phe1061Ser; replaces phenylalanine 1061 with serine.
Molecular consequence: missense variant.
Genome position (GRCh38, 1-based): chrX:53,238,240, A>G on the plus strand (T>C on the coding strand, the complement: IQSEC2 is on the minus strand). VCF-style: chrX-53238240-A-G. GRCh37 (hg19) VCF-style: chrX-53267422-A-G.
Other names: c.2471T>C, p.Phe824Ser (NM_001441094.1, NM_001441095.1); c.2567T>C, p.Phe856Ser (NM_015075.2); c.3182T>C, p.Phe1061Ser (NM_001410736.1, NM_001441092.1); c.2684T>C, p.Phe895Ser (NM_001441093.1); short protein forms F1061S, F824S, F856S, F895S.
Identifiers: ClinVar variation 4890698 (VCV004890698.1).